The following is an entry in ClinVar:

ClinVar aggregate classification (germline): Pathogenic (1 of 4 stars; one submission).

Submission:

Labcorp Genetics (formerly Invitae), Labcorp
Classification: Pathogenic. Last evaluated: 2018-01-16. Review status: criteria provided, single submitter. Criteria: Invitae Variant Classification Sherloc (09022015). Collection method: clinical testing. Allele origin: germline.
Comment: For these reasons, this variant has been classified as Pathogenic. Loss-of-function variants in NSD1 are known to be pathogenic (PMID: 12464997, 14571271, 15942875, 16247291). This variant has not been reported in the literature in individuals with NSD1-related disease. This variant is not present in population databases (ExAC no frequency). This sequence change creates a premature translational stop signal (p.Lys1172*) in the NSD1 gene. It is expected to result in an absent or disrupted protein product.

Literature cited by the submitters: PubMed 12464997; PubMed 14571271; PubMed 15942875; PubMed 16247291.

NM_022455.5(NSD1):c.3513dup (p.Lys1172Ter)

Gene: NSD1 (nuclear receptor binding SET domain protein 1; plus strand). Cytogenetic location: 5q35.3.
Variant type: Duplication.
Coding change: c.3513dup on transcript NM_022455.5 (MANE Select); coding-DNA position 3513, one base duplicated (T; older notation c.3513dupT).
Protein change: p.Lys1172Ter; replaces lysine 1172 with a stop codon.
Molecular consequence: nonsense. On other transcripts: frameshift variant (12).
Genome position (GRCh38, 1-based): chr5:177,211,912, T duplicated. VCF-style (leftmost placement, unchanged base first): chr5-177211911-G-GT. GRCh37 (hg19) VCF-style: chr5-176638912-G-GT.
Other names: c.3513dupT (NM_022455.4); c.2640dup, p.Lys881Terfs (NM_001365684.2, NM_001409306.1, NM_001409307.1 and 3 more transcripts); c.3513dup, p.Lys1172Terfs (NM_001409301.1, NM_001409302.1, NM_001409303.1); c.3093dup, p.Lys1032Terfs (NM_001409304.1); c.2760dup, p.Lys921Terfs (NM_001409305.1); short protein forms K903*, K1172*.
Identifiers: ClinVar variation 572874 (VCV000572874.7), dbSNP rs1562213291, ClinGen allele CA891843152.